The following is an entry in ClinVar:

NM_173477.5(USH1G):c.1280G>A (p.Arg427His)

Genes: USH1G (USH1 protein network component sans; minus strand), LOC130061627 (ATAC-STARR-seq lymphoblastoid active region 12722; plus strand). Cytogenetic location: 17q25.1.
Variant type: single nucleotide variant.
Coding change: c.1280G>A on transcript NM_173477.5 (MANE Select); coding-DNA position 1280, G replaced by A.
Protein change: p.Arg427His; replaces arginine 427 with histidine.
Molecular consequence: missense variant.
Genome position (GRCh38, 1-based): chr17:74,919,556, C>T on the plus strand (G>A on the coding strand, the complement: USH1G is on the minus strand). VCF-style: chr17-74919556-C-T. GRCh37 (hg19) VCF-style: chr17-72915651-C-T.
Other names: c.971G>A, p.Arg324His (NM_001282489.3); short protein forms R324H, R427H.
Identifiers: ClinVar variation 2128877 (VCV002128877.4), dbSNP rs2544427544, ClinGen allele CA400961301.
Genomic context (GRCh38, chr17:74,919,556, plus strand): 5'-CGCCGCCTCCTCACGGCCCCCAAGATCTTCTTTCGGGGCCCCAGTGGGACGCTGATGCTG[C>T]GGAGGTCGAGGTCAGAGCACAGCATCAAAGCCTCGAGGTCGATCTTCTCCTGCCGCAGGA-3'
Protein context (NP_775748.2, residues 417-437): ALMLCSDLDL[Arg427His]SISVPLGPRK

ClinVar aggregate classification (germline): Uncertain significance (1 of 4 stars; one submission).

gnomAD v4.1: 2 of 1,612,672 alleles (0.00012%); highest among the groups gnomAD compares: Non-Finnish European, 0.00017%; no homozygotes.

Submission:

Labcorp Genetics (formerly Invitae), Labcorp
Classification: Uncertain significance. Last evaluated: 2023-08-04. Review status: criteria provided, single submitter. Criteria: Invitae Variant Classification Sherloc (09022015). Collection method: clinical testing. Allele origin: germline.
Comment: This sequence change replaces arginine, which is basic and polar, with histidine, which is basic and polar, at codon 427 of the USH1G protein (p.Arg427His). In summary, the available evidence is currently insufficient to determine the role of this variant in disease. Therefore, it has been classified as a Variant of Uncertain Significance. Advanced modeling of protein sequence and biophysical properties (such as structural, functional, and spatial information, amino acid conservation, physicochemical variation, residue mobility, and thermodynamic stability) performed at Invitae indicates that this missense variant is not expected to disrupt USH1G protein function. ClinVar contains an entry for this variant (Variation ID: 2128877). This variant has not been reported in the literature in individuals affected with USH1G-related conditions. This variant is not present in population databases (gnomAD no frequency).